The following is an entry in ClinVar:

ClinVar aggregate classification (germline): Uncertain significance. Review status: criteria provided, multiple submitters, no conflicts (2 of 4 stars). 2 submissions from 2 submitters: Uncertain significance (2). Last evaluated 2023-03-02.

Conditions:
Inborn genetic diseases. Identifiers: MedGen C0950123, MeSH D030342.

Submissions (2):

Ambry Genetics
Classification: Uncertain significance for Inborn genetic diseases. Last evaluated: 2023-03-02. Review status: criteria provided, single submitter. Criteria: Ambry Variant Classification Scheme 2023. Collection method: clinical testing. Allele origin: germline.
Comment: The p.Q458R variant (also known as c.1373A>G), located in coding exon 6 of the ATR gene, results from an A to G substitution at nucleotide position 1373. The glutamine at codon 458 is replaced by arginine, an amino acid with highly similar properties. This amino acid position is conserved. In addition, this alteration is predicted to be tolerated by in silico analysis. Since supporting evidence is limited at this time, the clinical significance of this alteration remains unclear.

Labcorp Genetics (formerly Invitae), Labcorp
Classification: Uncertain significance. Last evaluated: 2021-07-25. Review status: criteria provided, single submitter. Criteria: Invitae Variant Classification Sherloc (09022015). Collection method: clinical testing. Allele origin: germline.
Comment: In summary, the available evidence is currently insufficient to determine the role of this variant in disease. Therefore, it has been classified as a Variant of Uncertain Significance. Algorithms developed to predict the effect of missense changes on protein structure and function (SIFT, PolyPhen-2, Align-GVGD) all suggest that this variant is likely to be tolerated. This variant has not been reported in the literature in individuals affected with ATR-related conditions. This variant is not present in population databases (ExAC no frequency). This sequence change replaces glutamine with arginine at codon 458 of the ATR protein (p.Gln458Arg). The glutamine residue is weakly conserved and there is a small physicochemical difference between glutamine and arginine.

NM_001184.4(ATR):c.1373A>G (p.Gln458Arg)

Gene: ATR (ATR checkpoint kinase; minus strand). Cytogenetic location: 3q23.
Variant type: single nucleotide variant.
Coding change: c.1373A>G on transcript NM_001184.4 (MANE Select); coding-DNA position 1373, A replaced by G.
Protein change: p.Gln458Arg; replaces glutamine 458 with arginine.
Molecular consequence: missense variant. On other transcripts: intron variant (1).
Genome position (GRCh38, 1-based): chr3:142,560,431, T>C on the plus strand (A>G on the coding strand, the complement: ATR is on the minus strand). VCF-style: chr3-142560431-T-C. GRCh37 (hg19) VCF-style: chr3-142279273-T-C.
Other names: c.1373A>G (NM_001184.3); c.1349+812A>G (NM_001354579.2); short protein forms Q458R.
Identifiers: ClinVar variation 1501842 (VCV001501842.9), dbSNP rs2108483330, ClinGen allele CA354823039.